The following is an entry in ClinVar:

ClinVar aggregate classification (germline): Uncertain significance (1 of 4 stars; one submission).

Allele frequency attached by ClinVar (database versions not stated): gnomAD exomes below 0.00001; ExAC 0.00001; TOPMed 0.00001.

Submission:

Institute for Clinical Genetics, University Hospital TU Dresden, University Hospital TU Dresden
Classification: Uncertain significance. Last evaluated: 2023-02-28. Review status: criteria provided, single submitter. Criteria: ACMG Guidelines, 2015. Collection method: clinical testing. Allele origin: germline.
Comment: PM2_SUP

NM_017442.4(TLR9):c.2668G>A (p.Glu890Lys)

Gene: TLR9 (toll like receptor 9; minus strand). Cytogenetic location: 3p21.2.
Variant type: single nucleotide variant.
Coding change: c.2668G>A on transcript NM_017442.4 (MANE Select); coding-DNA position 2668, G replaced by A.
Protein change: p.Glu890Lys; replaces glutamic acid 890 with lysine.
Molecular consequence: missense variant.
Genome position (GRCh38, 1-based): chr3:52,221,648, C>T on the plus strand (G>A on the coding strand, the complement: TLR9 is on the minus strand). VCF-style: chr3-52221648-C-T. GRCh37 (hg19) VCF-style: chr3-52255664-C-T.
Other names: short protein forms E890K.
Identifiers: ClinVar variation 2576092 (VCV002576092.1), dbSNP rs749180201, ClinGen allele CA2430420.